The following is an entry in ClinVar:

NM_004999.4(MYO6):c.2000G>A (p.Arg667His)

Gene: MYO6 (myosin VI; plus strand). Cytogenetic location: 6q14.1.
Variant type: single nucleotide variant.
Coding change: c.2000G>A on transcript NM_004999.4 (MANE Select); coding-DNA position 2000, G replaced by A.
Protein change: p.Arg667His; replaces arginine 667 with histidine.
Molecular consequence: missense variant. On other transcripts: non-coding transcript variant (1).
Genome position (GRCh38, 1-based): chr6:75,873,223, G>A. VCF-style: chr6-75873223-G-A. GRCh37 (hg19) VCF-style: chr6-76582940-G-A.
Other names: c.2000G>A, p.Arg667His (NM_001300899.2, NM_001368136.1, NM_001368137.1 and 2 more transcripts); c.1985G>A, p.Arg662His (NM_001368138.1); short protein forms R662H, R667H.
Identifiers: ClinVar variation 1309812 (VCV001309812.5), dbSNP rs781769307, ClinGen allele CA3897274.

ClinVar aggregate classification (germline): Uncertain significance. Review status: criteria provided, multiple submitters, no conflicts (2 of 4 stars). 3 submissions from 3 submitters: Uncertain significance (3). Last evaluated 2023-11-02.

Allele frequency attached by ClinVar (database versions not stated): gnomAD exomes below 0.00001 and 0.00001; ExAC 0.00001; gnomAD 0.00001; TOPMed 0.00001.
gnomAD v4.1: 12 of 1,613,718 alleles (0.00074%); highest among the groups gnomAD compares: South Asian, 0.0055%; no homozygotes.

Submissions (3):

Revvity Omics, Revvity
Classification: Uncertain significance. Last evaluated: 2023-11-02. Review status: criteria provided, single submitter. Criteria: ACMG Guidelines, 2015. Collection method: clinical testing. Allele origin: germline.

AiLife Diagnostics
Classification: Uncertain significance. Last evaluated: 2021-10-20. Review status: criteria provided, single submitter. Criteria: ACMG Guidelines, 2015. Collection method: clinical testing. Allele origin: germline. Affected: yes. Observed: 1 variant allele.

GeneDx
Classification: Uncertain significance. Last evaluated: 2019-11-20. Review status: criteria provided, single submitter. Criteria: GeneDx Variant Classification Process June 2021. Collection method: clinical testing. Allele origin: germline. Affected: yes.
Comment: In silico analysis, which includes protein predictors and evolutionary conservation, supports a deleterious effect; Has not been previously published as pathogenic or benign to our knowledge